The following is an entry in ClinVar:

NM_006059.4(LAMC3):c.2935G>A (p.Glu979Lys)

Gene: LAMC3 (laminin subunit gamma 3; plus strand). Cytogenetic location: 9q34.12.
Variant type: single nucleotide variant.
Coding change: c.2935G>A on transcript NM_006059.4 (MANE Select); coding-DNA position 2935, G replaced by A.
Protein change: p.Glu979Lys; replaces glutamic acid 979 with lysine.
Molecular consequence: missense variant.
Genome position (GRCh38, 1-based): chr9:131,069,716, G>A. VCF-style: chr9-131069716-G-A. GRCh37 (hg19) VCF-style: chr9-133945103-G-A.
Other names: short protein forms E979K.
Identifiers: ClinVar variation 1421854 (VCV001421854.5), dbSNP rs377457257, ClinGen allele CA5287626.

ClinVar aggregate classification (germline): Uncertain significance (1 of 4 stars; one submission).

Allele frequency attached by ClinVar (database versions not stated): gnomAD 0.00001; gnomAD exomes 0.00001 and 0.00004; ExAC 0.00002; ESP Exome Variant Server 0.00008.
gnomAD v4.1: 52 of 1,603,882 alleles (0.0032%); highest among the groups gnomAD compares: Non-Finnish European, 0.0041%; no homozygotes.

Submission:

Labcorp Genetics (formerly Invitae), Labcorp
Classification: Uncertain significance. Last evaluated: 2022-07-05. Review status: criteria provided, single submitter. Criteria: Invitae Variant Classification Sherloc (09022015). Collection method: clinical testing. Allele origin: germline.
Comment: This sequence change replaces glutamic acid, which is acidic and polar, with lysine, which is basic and polar, at codon 979 of the LAMC3 protein (p.Glu979Lys). This variant is present in population databases (rs377457257, gnomAD 0.003%). This variant has not been reported in the literature in individuals affected with LAMC3-related conditions. ClinVar contains an entry for this variant (Variation ID: 1421854). Algorithms developed to predict the effect of missense changes on protein structure and function output the following: SIFT: "Tolerated"; PolyPhen-2: "Benign"; Align-GVGD: "Class C0". The lysine amino acid residue is found in multiple mammalian species, which suggests that this missense change does not adversely affect protein function. In summary, the available evidence is currently insufficient to determine the role of this variant in disease. Therefore, it has been classified as a Variant of Uncertain Significance.